The following is an entry in ClinVar:

ClinVar aggregate classification (germline): Uncertain significance. Review status: criteria provided, multiple submitters, no conflicts (2 of 4 stars). 5 submissions from 5 submitters: Uncertain significance (5). Last evaluated 2025-08-21.

Conditions:
Inborn genetic diseases. Identifiers: MedGen C0950123, MeSH D030342.

Allele frequency attached by ClinVar (database versions not stated): gnomAD 0.00003; gnomAD exomes 0.00003; ExAC 0.00004; TOPMed 0.00006.
gnomAD v4.1: 40 of 1,612,630 alleles (0.0025%); highest among the groups gnomAD compares: Middle Eastern, 0.016%; no homozygotes.

Submissions (5):

Ambry Genetics
Classification: Uncertain significance for Inborn genetic diseases. Last evaluated: 2025-08-21. Review status: criteria provided, single submitter. Criteria: Ambry Variant Classification Scheme 2023. Collection method: clinical testing. Allele origin: germline.

GeneDx
Classification: Uncertain significance. Last evaluated: 2023-12-04. Review status: criteria provided, single submitter. Criteria: GeneDx Variant Classification Process June 2021. Collection method: clinical testing. Allele origin: germline. Affected: yes.
Comment: Not observed at significant frequency in large population cohorts (gnomAD); In silico analysis supports that this missense variant does not alter protein structure/function; Has not been previously published as pathogenic or benign to our knowledge

Labcorp Genetics (formerly Invitae), Labcorp
Classification: Uncertain significance. Last evaluated: 2022-07-13. Review status: criteria provided, single submitter. Criteria: Invitae Variant Classification Sherloc (09022015). Collection method: clinical testing. Allele origin: germline.
Comment: This sequence change replaces isoleucine, which is neutral and non-polar, with valine, which is neutral and non-polar, at codon 211 of the TSFM protein (p.Ile211Val). This variant is present in population databases (rs765880033, gnomAD 0.01%). This variant has not been reported in the literature in individuals affected with TSFM-related conditions. ClinVar contains an entry for this variant (Variation ID: 1511482). Algorithms developed to predict the effect of missense changes on protein structure and function (SIFT, PolyPhen-2, Align-GVGD) all suggest that this variant is likely to be disruptive. In summary, the available evidence is currently insufficient to determine the role of this variant in disease. Therefore, it has been classified as a Variant of Uncertain Significance.

Laboratorio de Genetica e Diagnostico Molecular, Hospital Israelita Albert Einstein
Classification: Uncertain significance. Last evaluated: 2019-06-28. Review status: criteria provided, single submitter. Criteria: ACMG Guidelines, 2015. Collection method: clinical testing. Allele origin: germline. Affected: yes.
Comment: ACMG classification criteria: PM2

Breakthrough Genomics
Classification: Uncertain significance. Review status: criteria provided, single submitter. Criteria: ACMG Guidelines, 2015. Collection method: not provided. Allele origin: germline. Inheritance: Autosomal recessive inheritance. Affected: yes.

NM_005726.6(TSFM):c.568A>G (p.Ile190Val)

Gene: TSFM (Ts translation elongation factor, mitochondrial; plus strand). Cytogenetic location: 12q14.1.
Variant type: single nucleotide variant.
Coding change: c.568A>G on transcript NM_005726.6 (MANE Select); coding-DNA position 568, A replaced by G.
Protein change: p.Ile190Val; replaces isoleucine 190 with valine.
Molecular consequence: missense variant. On other transcripts: intron variant (1).
Genome position (GRCh38, 1-based): chr12:57,793,070, A>G. VCF-style: chr12-57793070-A-G. GRCh37 (hg19) VCF-style: chr12-58186853-A-G.
Other names: c.631A>G (NM_001172696.1); c.631A>G, p.Ile211Val (NM_001172696.2); c.568A>G, p.Ile190Val (NM_001172697.2); c.484-3107A>G (NM_001172695.2); short protein forms I211V, I190V.
Identifiers: ClinVar variation 1511482 (VCV001511482.9), dbSNP rs765880033, ClinGen allele CA6659397.